The following is an entry in ClinVar:

ClinVar aggregate classification (germline): Uncertain significance (1 of 4 stars; one submission).

Submission:

GeneDx
Classification: Uncertain significance. Last evaluated: 2023-06-15. Review status: criteria provided, single submitter. Criteria: GeneDx Variant Classification Process June 2021. Collection method: clinical testing. Allele origin: germline. Affected: yes.
Comment: Not observed at significant frequency in large population cohorts (gnomAD); In silico analysis supports that this missense variant has a deleterious effect on protein structure/function; Has not been previously published as pathogenic or benign to our knowledge

NM_016284.5(CNOT1):c.6403G>A (p.Ala2135Thr)

Gene: CNOT1 (CCR4-NOT transcription complex subunit 1; minus strand). Cytogenetic location: 16q21.
Variant type: single nucleotide variant.
Coding change: c.6403G>A on transcript NM_016284.5 (MANE Select); coding-DNA position 6403, G replaced by A.
Protein change: p.Ala2135Thr; replaces alanine 2135 with threonine.
Molecular consequence: missense variant. On other transcripts: non-coding transcript variant (1).
Genome position (GRCh38, 1-based): chr16:58,528,525, C>T on the plus strand (G>A on the coding strand, the complement: CNOT1 is on the minus strand). VCF-style: chr16-58528525-C-T. GRCh37 (hg19) VCF-style: chr16-58562429-C-T.
Other names: c.6388G>A, p.Ala2130Thr (NM_001265612.2); short protein forms A2130T, A2135T.
Identifiers: ClinVar variation 3359848 (VCV003359848.1).